The following is an entry in ClinVar:

NM_001369268.1(ACAN):c.1552_1556del (p.Glu518fs)

Gene: ACAN (aggrecan; plus strand). Cytogenetic location: 15q26.1.
Variant type: Deletion.
Coding change: c.1552_1556del on transcript NM_001369268.1 (MANE Select); coding-DNA positions 1552 to 1556, 5 bases deleted (GAAGC; older notation c.1552_1556delGAAGC).
Protein change: p.Glu518fs; shifts the reading frame from glutamic acid 518.
Molecular consequence: frameshift variant.
Genome position (GRCh38, 1-based): chr15:88,847,365-88,847,369, GAAGC deleted; deleting any 5 consecutive bases within chr15:88,847,364-88,847,369 gives the same sequence; the c. name uses the placement nearest the transcript's 3' end. VCF-style (leftmost placement, unchanged base first): chr15-88847363-ACGAAG-A. GRCh37 (hg19) VCF-style: chr15-89390594-ACGAAG-A.
Other names: c.1552_1556del, p.Glu518fs (NM_001135.4, NM_013227.4); short protein forms E518fs.
Identifiers: ClinVar variation 1199200 (VCV001199200.9), dbSNP rs2141585993, ClinGen allele CA2499223120.

ClinVar aggregate classification (germline): Pathogenic. Review status: criteria provided, multiple submitters, no conflicts (2 of 4 stars). 2 submissions from 2 submitters: Pathogenic (2). Last evaluated 2023-03-08.

Conditions:
Osteochondritis dissecans. Identifiers: Orphanet 251262, Orphanet 2764, MedGen C0029421, MONDO:0017178, HP:0010886.

Submissions (2):

Labcorp Genetics (formerly Invitae), Labcorp
Classification: Pathogenic. Last evaluated: 2023-03-08. Review status: criteria provided, single submitter. Criteria: Invitae Variant Classification Sherloc (09022015). Collection method: clinical testing. Allele origin: germline.
Comment: ClinVar contains an entry for this variant (Variation ID: 1199200). For these reasons, this variant has been classified as Pathogenic. This variant has not been reported in the literature in individuals affected with ACAN-related conditions. This sequence change creates a premature translational stop signal (p.Glu518Argfs*3) in the ACAN gene. It is expected to result in an absent or disrupted protein product. Loss-of-function variants in ACAN are known to be pathogenic (PMID: 16080123, 24762113). This variant is not present in population databases (gnomAD no frequency).

Illumina Laboratory Services, Illumina
Classification: Pathogenic for Short stature and advanced bone age, with or without early-onset osteoarthritis and/or osteochondritis dissecans. Last evaluated: 2021-01-19. Review status: criteria provided, single submitter. Criteria: ICSLVariantClassificationCriteria RUGD 01 April 2020. Collection method: clinical testing. Allele origin: unknown.
Comment: The ACAN c.1552_1556delGAAGC (p.Glu518ArgfsTer3) variant results in a frameshift and is predicted to result in premature termination or absence of the protein. A literature search was performed for the gene, cDNA change, and amino acid change. No publications were found based on this search. This variant is not found in the Genome Aggregation Database in a region of good sequence coverage, so the variant is presumed to be rare. Based on the predicted truncating nature of the variant and application of ACMG criteria, the p.Glu518ArgfsTer3 variant is classified as pathogenic for short stature and advanced bone age, with or without early-onset osteoarthritis and/or osteochondritis dissecans.

Literature cited by the submitters: PubMed 16080123 (cited by Labcorp Genetics (formerly Invitae), Labcorp); PubMed 24762113 (cited by Labcorp Genetics (formerly Invitae), Labcorp).